The following is an entry in ClinVar:

ClinVar aggregate classification (germline): Pathogenic (1 of 4 stars; one submission).

Submission:

Quest Diagnostics Nichols Institute San Juan Capistrano
Classification: Pathogenic. Last evaluated: 2023-07-24. Review status: criteria provided, single submitter. Criteria: ACMG/ClinGen CNV Guidelines, 2019. Collection method: clinical testing. Allele origin: unknown.
Comment: This loss contains several protein-coding genes, including PCDH19 (OMIM 300460; HGNC:14270) and GLA (OMIM 300644; HGNC:4296). Loss of PCDH19 is associated with developmental and epileptic encephalopathy (DEE9; OMIM 300088; ISCA-6010), and loss of GLA is associated with Fabry disease (OMIM 301500; ISCA-20553; Mehta 2002). Xq22 deletions overlapping PLP1 or TCEAL1 have been reported in individuals with variable phenotypes (Hijazi 2022, Hijazi 2020, Yamamoto 2014). Therefore, this copy number variant (CNV) is classified as pathogenic. References: Hijazi et al., Am J Hum Genet. 2022 Dec 1;109(12):2270-2282. PMID: 36368327; Hijazi et al., Hum Mutat. 2020 Jan;41(1):150-168. PMID: 31448840; Yamamoto et al., J Hum Genet. 2014 Jun;59(6):300-6. PMID: 24646727

GRCh37/hg19 Xq21.31-23(chrX:91004293-111532472)x1

Genes: ACSL4 (acyl-CoA synthetase long chain family member 4; minus strand), ALG13 (ALG13 UDP-N-acetylglucosaminyltransferase subunit; plus strand), AMMECR1 (AMMECR nuclear protein 1; minus strand), ARL13A (ARF like GTPase 13A; plus strand), ARMCX1 (armadillo repeat containing X-linked 1; plus strand) and 105 more. Cytogenetic location: Xq21.31-23.
Variant type: copy number loss.
Change: copy number 1 of chrX:91,004,293-111,532,472 (20.53 Mb, GRCh37 coordinates, 1-based), cytogenetic band Xq21.31-23.
Identifiers: ClinVar variation 3391957 (VCV003391957.1).